The following is an entry in ClinVar:

ClinVar aggregate classification (germline): Uncertain significance (1 of 4 stars; one submission).

Conditions:
Congenital contractural arachnodactyly (CCA). Also called: BEALS SYNDROME; Beals-Hecht syndrome; Arthrogryposis, distal, type 9. Identifiers: Orphanet 115, MedGen C0220668, MONDO:0007363, OMIM 121050.

Submission:

Labcorp Genetics (formerly Invitae), Labcorp
Classification: Uncertain significance for Congenital contractural arachnodactyly. Last evaluated: 2025-09-18. Review status: criteria provided, single submitter. Criteria: Invitae Variant Classification Sherloc (09022015). Collection method: clinical testing. Allele origin: germline.
Comment: This sequence change affects a donor splice site in intron 42 of the FBN2 gene. It is expected to disrupt RNA splicing. Variants that disrupt the donor or acceptor splice site typically lead to a loss of protein function (PMID: 16199547), however the current clinical and genetic evidence is not sufficient to establish whether loss-of-function variants in FBN2 cause disease. This variant is not present in population databases (gnomAD no frequency). This variant has not been reported in the literature in individuals affected with FBN2-related conditions. Algorithms developed to predict the effect of sequence changes on RNA splicing suggest that this variant may disrupt the consensus splice site. In summary, the available evidence is currently insufficient to determine the role of this variant in disease. Therefore, it has been classified as a Variant of Uncertain Significance.

Literature cited by the submitters: PubMed 16199547.

NM_001999.4(FBN2):c.5422+1G>C

Gene: FBN2 (fibrillin 2; minus strand). Cytogenetic location: 5q23.3.
Variant type: single nucleotide variant.
Coding change: c.5422+1G>C on transcript NM_001999.4 (MANE Select); the canonical splice donor site of the intron after coding-DNA position 5422, G replaced by C.
Molecular consequence: splice donor variant.
Genome position (GRCh38, 1-based): chr5:128,307,134, C>G on the plus strand (G>C on the coding strand, the complement: FBN2 is on the minus strand). VCF-style: chr5-128307134-C-G. GRCh37 (hg19) VCF-style: chr5-127642826-C-G.
Identifiers: ClinVar variation 4798181 (VCV004798181.1).